The following is an entry in ClinVar:

NM_012418.4(FSCN2):c.1316T>C (p.Val439Ala)

Gene: FSCN2 (fascin actin-bundling protein 2, retinal; plus strand). Cytogenetic location: 17q25.3.
Variant type: single nucleotide variant.
Coding change: c.1316T>C on transcript NM_012418.4 (MANE Select); coding-DNA position 1316, T replaced by C.
Protein change: p.Val439Ala; replaces valine 439 with alanine.
Molecular consequence: missense variant.
Genome position (GRCh38, 1-based): chr17:81,536,917, T>C. VCF-style: chr17-81536917-T-C. GRCh37 (hg19) VCF-style: chr17-79503943-T-C.
Other names: c.1388T>C, p.Val463Ala (NM_001077182.3); short protein forms V439A, V463A.
Identifiers: ClinVar variation 3097142 (VCV003097142.3), dbSNP rs557281941, ClinGen allele CA8837110.

ClinVar aggregate classification (germline): Uncertain significance. Review status: criteria provided, multiple submitters, no conflicts (2 of 4 stars). 2 submissions from 2 submitters: Uncertain significance (2). Last evaluated 2024-12-24.

Allele frequency attached by ClinVar (database versions not stated): gnomAD exomes 0.00001; gnomAD 0.00003; TOPMed 0.00004; ExAC 0.00005; 1000 Genomes Project 30x 0.00016; 1000 Genomes Project 0.00020.
gnomAD v4.1: 7 of 1,575,106 alleles (0.00044%); highest among the groups gnomAD compares: East Asian, 0.014%; no homozygotes.

Submissions (2):

Labcorp Genetics (formerly Invitae), Labcorp
Classification: Uncertain significance. Last evaluated: 2024-12-24. Review status: criteria provided, single submitter. Criteria: Invitae Variant Classification Sherloc (09022015). Collection method: clinical testing. Allele origin: germline.
Comment: This sequence change replaces valine, which is neutral and non-polar, with alanine, which is neutral and non-polar, at codon 463 of the FSCN2 protein (p.Val463Ala). This variant is present in population databases (rs557281941, gnomAD 0.03%). This variant has not been reported in the literature in individuals affected with FSCN2-related conditions. ClinVar contains an entry for this variant (Variation ID: 3097142). An algorithm developed to predict the effect of missense changes on protein structure and function (PolyPhen-2) suggests that this variant is likely to be disruptive. In summary, the available evidence is currently insufficient to determine the role of this variant in disease. Therefore, it has been classified as a Variant of Uncertain Significance.

Ambry Genetics
Classification: Uncertain significance. Last evaluated: 2023-11-27. Review status: criteria provided, single submitter. Criteria: Ambry Variant Classification Scheme 2023. Collection method: clinical testing. Allele origin: germline.